The following is an entry in ClinVar:

ClinVar aggregate classification (germline): Uncertain significance. Review status: criteria provided, multiple submitters, no conflicts (2 of 4 stars). 2 submissions from 2 submitters: Uncertain significance (2). Last evaluated 2025-01-27.

Conditions:
Arrhythmogenic right ventricular dysplasia 8 (ARVD8). Also called: Arrhythmogenic Right Ventricular Dysplasia/Cardiomyopathy 8; ARRHYTHMOGENIC RIGHT VENTRICULAR DYSPLASIA, FAMILIAL, 8; ARRHYTHMOGENIC RIGHT VENTRICULAR CARDIOMYOPATHY 8. Identifiers: MedGen C1843896, MONDO:0011831, OMIM 607450.
Arrhythmogenic cardiomyopathy with wooly hair and keratoderma. Also called: PALMOPLANTAR KERATODERMA WITH LEFT VENTRICULAR CARDIOMYOPATHY AND WOOLLY HAIR; Carvajal syndrome; Dilated cardiomyopathy with woolly hair and keratoderma; Arrhythmogenic cardiomyopathy with woolly hair and keratoderma. Identifiers: Orphanet 65282, MedGen C1854063, MONDO:0011581, OMIM 605676.
Cardiomyopathy (CMYO). Also called: Cardiomyopathies. Identifiers: Orphanet 167848, MedGen C0878544, MONDO:0004994, HP:0001638. Inheritance: Various modes of inheritance.

Allele frequency attached by ClinVar (database versions not stated): gnomAD exomes below 0.00001.
gnomAD v4.1: 1 of 1,613,978 alleles (0.000062%); highest among the groups gnomAD compares: Non-Finnish European, 0.000085%; no homozygotes.

Submissions (2):

Labcorp Genetics (formerly Invitae), Labcorp
Classification: Uncertain significance for Arrhythmogenic cardiomyopathy with wooly hair and keratoderma; Arrhythmogenic right ventricular dysplasia 8. Last evaluated: 2025-01-27. Review status: criteria provided, single submitter. Criteria: Invitae Variant Classification Sherloc (09022015). Collection method: clinical testing. Allele origin: germline.
Comment: This sequence change replaces leucine, which is neutral and non-polar, with valine, which is neutral and non-polar, at codon 2115 of the DSP protein (p.Leu2115Val). This variant is not present in population databases (gnomAD no frequency). This variant has not been reported in the literature in individuals affected with DSP-related conditions. ClinVar contains an entry for this variant (Variation ID: 926589). An algorithm developed to predict the effect of missense changes on protein structure and function (PolyPhen-2) suggests that this variant is likely to be tolerated. In summary, the available evidence is currently insufficient to determine the role of this variant in disease. Therefore, it has been classified as a Variant of Uncertain Significance.

Color Diagnostics, LLC DBA Color Health
Classification: Uncertain significance for Cardiomyopathy. Last evaluated: 2023-12-04. Review status: criteria provided, single submitter. Criteria: ACMG Guidelines, 2015. Collection method: clinical testing. Allele origin: germline.
Comment: Variant of Uncertain Significance due to insufficient evidence: This missense variant replaces leucine with valine at codon 2115 of the DSP protein. Computational prediction tools and conservation analyses are inconclusive regarding the impact of this variant on the protein function. Computational splicing tools suggest that this variant may not impact RNA splicing. To our knowledge, functional assays have not been performed for this variant nor has this variant been reported in individuals affected with cardiovascular disorders in the literature. This variant is rare in the general population and has been identified in 0/277264 chromosomes by the Genome Aggregation Database (gnomAD). Available evidence is insufficient to determine the role of this variant in disease conclusively.

NM_004415.4(DSP):c.6343T>G (p.Leu2115Val)

Gene: DSP (desmoplakin; plus strand). Cytogenetic location: 6p24.3.
Variant type: single nucleotide variant.
Coding change: c.6343T>G on transcript NM_004415.4 (MANE Select); coding-DNA position 6343, T replaced by G.
Protein change: p.Leu2115Val; replaces leucine 2115 with valine.
Molecular consequence: missense variant.
Genome position (GRCh38, 1-based): chr6:7,583,605, T>G. VCF-style: chr6-7583605-T-G. GRCh37 (hg19) VCF-style: chr6-7583838-T-G.
Other names: c.4546T>G, p.Leu1516Val (NM_001008844.3); c.5014T>G, p.Leu1672Val (NM_001319034.2); short protein forms L1516V, L2115V, L1672V.
Identifiers: ClinVar variation 926589 (VCV000926589.7), dbSNP rs1484456213, ClinGen allele CA362690597.